The following is an entry in ClinVar:

NM_003185.4(TAF4):c.1699G>C (p.Val567Leu)

Gene: TAF4 (TATA-box binding protein associated factor 4; minus strand). Cytogenetic location: 20q13.33.
Variant type: single nucleotide variant.
Coding change: c.1699G>C on transcript NM_003185.4 (MANE Select); coding-DNA position 1699, G replaced by C.
Protein change: p.Val567Leu; replaces valine 567 with leucine.
Molecular consequence: missense variant.
Genome position (GRCh38, 1-based): chr20:62,010,108, C>G on the plus strand (G>C on the coding strand, the complement: TAF4 is on the minus strand). VCF-style: chr20-62010108-C-G. GRCh37 (hg19) VCF-style: chr20-60585164-C-G.
Other names: short protein forms V567L.
Identifiers: ClinVar variation 3376800 (VCV003376800.1).

ClinVar aggregate classification (germline): Uncertain significance (1 of 4 stars; one submission).

Conditions:
Neurodevelopmental disorder. Identifiers: MedGen C1535926, MeSH D065886, MONDO:0700092.

Submission:

Victorian Clinical Genetics Services, Murdoch Childrens Research Institute
Classification: Uncertain significance for Neurodevelopmental disorder. Last evaluated: 2023-07-17. Review status: criteria provided, single submitter. Criteria: ACMG Guidelines, 2015. Collection method: clinical testing. Allele origin: germline. Inheritance: Autosomal dominant inheritance. Affected: yes.
Comment: Based on the classification scheme VCGS_Germline_v1.3.4, this variant is classified as VUS-3A. Following criteria are met: 0102 - Loss of function is a known mechanism of disease in this gene and is associated with neurodevelopmental disorder, (MONDO:0700092), TAF4-related. (I) 0107 - This gene is associated with autosomal dominant disease. (I) 0200 - Variant is predicted to result in a missense amino acid change from valine to leucine. (I) 0251 - This variant is heterozygous. (I) 0301 - Variant is absent from gnomAD (both v2 and v3). (SP) 0503 - Missense variant consistently predicted to be tolerated by multiple in silico tools or not conserved in placental mammals with a minor amino acid change. (SB) 0604 - Variant is not located in an established domain, motif, hotspot or informative constraint region. (I) 0705 - No comparable missense variants have previous evidence for pathogenicity. (I) 0807 - This variant has no previous evidence of pathogenicity. (I) 0905 - No published segregation evidence has been identified for this variant. (I) 1007 - No published functional evidence has been identified for this variant. (SP) Legend: (SP) - Supporting pathogenic, (I) - Information, (SB) - Supporting benign